The following is an entry in ClinVar:

ClinVar aggregate classification (germline): Uncertain significance. Review status: criteria provided, multiple submitters, no conflicts (2 of 4 stars). 3 submissions from 3 submitters: Uncertain significance (3). Last evaluated 2025-09-10.

Conditions:
Hereditary cancer-predisposing syndrome. Also called: Neoplastic Syndromes, Hereditary; Hereditary Cancer Syndrome; Hereditary neoplastic syndrome; Tumor predisposition. Identifiers: Orphanet 140162, MedGen C0027672, MeSH D009386, MONDO:0015356.
Multiple endocrine neoplasia, type 2 (MEN2). Identifiers: Orphanet 653, MedGen C4048306, MONDO:0019003. Disease mechanism: gain of function.

Allele frequency attached by ClinVar (database versions not stated): ExAC 0.00001; gnomAD exomes 0.00002.
gnomAD v4.1: 23 of 1,614,150 alleles (0.0014%); highest among the groups gnomAD compares: Non-Finnish European, 0.0019%; no homozygotes.

Submissions (3):

Color Diagnostics, LLC DBA Color Health
Classification: Uncertain significance for Multiple endocrine neoplasia, type 2. Last evaluated: 2025-09-10. Review status: criteria provided, single submitter. Criteria: ACMG Guidelines, 2015. Collection method: clinical testing. Allele origin: germline.
Comment: This missense variant replaces glycine with serine at codon 967 of the RET protein. Computational prediction suggests that this variant may have deleterious impact on protein structure and function. To our knowledge, functional studies have not been reported for this variant. This variant has not been reported in individuals affected with RET-related disorders in the literature. This variant has been identified in 1/251440 chromosomes in the general population by the Genome Aggregation Database (gnomAD). The available evidence is insufficient to determine the role of this variant in disease conclusively. Therefore, this variant is classified as a Variant of Uncertain Significance.

Ambry Genetics
Classification: Uncertain significance for Hereditary cancer-predisposing syndrome. Last evaluated: 2025-05-02. Review status: criteria provided, single submitter. Criteria: Ambry Variant Classification Scheme 2023. Collection method: clinical testing. Allele origin: germline.
Comment: The p.G967S variant (also known as c.2899G>A), located in coding exon 17 of the RET gene, results from a G to A substitution at nucleotide position 2899. The glycine at codon 967 is replaced by serine, an amino acid with similar properties. This amino acid position is highly conserved in available vertebrate species. In addition, the in silico prediction for this alteration is inconclusive. Since supporting evidence is limited at this time, the clinical significance of this alteration remains unclear.

Labcorp Genetics (formerly Invitae), Labcorp
Classification: Uncertain significance for Multiple endocrine neoplasia, type 2. Last evaluated: 2025-04-11. Review status: criteria provided, single submitter. Criteria: Invitae Variant Classification Sherloc (09022015). Collection method: clinical testing. Allele origin: germline.
Comment: This sequence change replaces glycine, which is neutral and non-polar, with serine, which is neutral and polar, at codon 967 of the RET protein (p.Gly967Ser). This variant is present in population databases (rs777007074, gnomAD 0.0009%). This variant has not been reported in the literature in individuals affected with RET-related conditions. ClinVar contains an entry for this variant (Variation ID: 2562605). An algorithm developed to predict the effect of missense changes on protein structure and function (PolyPhen-2) suggests that this variant is likely to be disruptive. In summary, the available evidence is currently insufficient to determine the role of this variant in disease. Therefore, it has been classified as a Variant of Uncertain Significance.

NM_020975.6(RET):c.2899G>A (p.Gly967Ser)

Gene: RET (ret proto-oncogene; plus strand). Cytogenetic location: 10q11.21.
Variant type: single nucleotide variant.
Coding change: c.2899G>A on transcript NM_020975.6 (MANE Select); coding-DNA position 2899, G replaced by A.
Protein change: p.Gly967Ser; replaces glycine 967 with serine.
Molecular consequence: missense variant.
Genome position (GRCh38, 1-based): chr10:43,123,768, G>A. VCF-style: chr10-43123768-G-A. GRCh37 (hg19) VCF-style: chr10-43619216-G-A.
Other names: c.2764G>A, p.Gly922Ser (NM_001406763.1, NM_001406765.1); c.2770G>A, p.Gly924Ser (NM_001406764.1, NM_001406761.1, NM_001406762.1); c.2611G>A, p.Gly871Ser (NM_001406766.1, NM_001406767.1, NM_001406770.1); c.2635G>A, p.Gly879Ser (NM_001406768.1); c.2503G>A, p.Gly835Ser (NM_001406769.1, NM_001406772.1); c.2461G>A, p.Gly821Ser (NM_001406771.1, NM_001406773.1); c.2374G>A, p.Gly792Ser (NM_001406774.1); c.2173G>A, p.Gly725Ser (NM_001406775.1, NM_001406776.1, NM_001406777.1 and 1 more transcripts); and 10 more; short protein forms G484S, G625S, G725S, G821S, G871S, G532S, G637S, G713S.
Identifiers: ClinVar variation 2562605 (VCV002562605.4), dbSNP rs777007074, ClinGen allele CA041426.